The following is an entry in ClinVar:

NM_006516.4(SLC2A1):c.1263C>A (p.Cys421Ter)

Gene: SLC2A1 (solute carrier family 2 member 1; minus strand). Cytogenetic location: 1p34.2.
Variant type: single nucleotide variant.
Coding change: c.1263C>A on transcript NM_006516.4 (MANE Select); coding-DNA position 1263, C replaced by A.
Protein change: p.Cys421Ter; replaces cysteine 421 with a stop codon.
Molecular consequence: nonsense.
Genome position (GRCh38, 1-based): chr1:42,927,620, G>T on the plus strand (C>A on the coding strand, the complement: SLC2A1 is on the minus strand). VCF-style: chr1-42927620-G-T. GRCh37 (hg19) VCF-style: chr1-43393291-G-T.
Other names: short protein forms C421*.
Identifiers: ClinVar variation 986118 (VCV000986118.4), dbSNP rs1643441134, ClinGen allele CA339953635.

ClinVar aggregate classification (germline): Pathogenic (1 of 4 stars; one submission).

Conditions:
Inborn genetic diseases. Identifiers: MedGen C0950123, MeSH D030342.

Submission:

Ambry Genetics
Classification: Pathogenic for Inborn genetic diseases. Last evaluated: 2020-06-30. Review status: criteria provided, single submitter. Criteria: Ambry Variant Classification Scheme 2023. Collection method: clinical testing. Allele origin: germline.
Comment: The alteration results in a premature stop codon: _x000D_ _x000D_ The c.1263C>A (p.C421*) alteration, located in coding exon 9 of the SLC2A1 gene, results from a C to A substitution at nucleotide position 1263. This changes the amino acid from a cysteine (C) to a stop codon at amino acid position 421. Premature stop codons are typically deleterious in nature; however, this stop codon occurs at the 3' terminus of SLC2A1, is not expected to trigger nonsense-mediated mRNA decay, and a truncated protein could still be expressed (Maquat, 2004). This alteration removes the last 72 amino acids (14%) of the protein. The exact functional impact of the truncation is unknown at this time; however, additional truncating alterations downstream of this alteration have been reported in the literature as disease-causing (Seidner, 1998; Leen, 2010; Hashimoto, 2011). The alteration is not observed in population databases: _x000D_ _x000D_ Based on data from the Genome Aggregation Database (gnomAD), the SLC2A1 c.1263C>A alteration was not observed, with coverage at this position. Based on the available evidence, this alteration is classified as pathogenic.

Literature cited by the submitters: PubMed 9462754; PubMed 20129935; PubMed 22011817.